The following is an entry in ClinVar:

NM_001346754.2(PIGW):c.919A>G (p.Ile307Val)

Genes: MYO19 (myosin XIX; minus strand), PIGW (phosphatidylinositol glycan anchor biosynthesis class W; plus strand). Cytogenetic location: 17q12.
Variant type: single nucleotide variant.
Coding change: c.919A>G on transcript NM_001346754.2 (MANE Select); coding-DNA position 919, A replaced by G.
Protein change: p.Ile307Val; replaces isoleucine 307 with valine.
Molecular consequence: missense variant.
Genome position (GRCh38, 1-based): chr17:36,538,020, A>G. VCF-style: chr17-36538020-A-G. GRCh37 (hg19) VCF-style: chr17-34893869-A-G.
Other names: c.919A>G, p.Ile307Val (NM_001346755.2, NM_178517.5); c.919A>G (NM_178517.3); short protein forms I307V.
Identifiers: ClinVar variation 1382816 (VCV001382816.4), dbSNP rs773988121, ClinGen allele CA290116401.

ClinVar aggregate classification (germline): Uncertain significance. Review status: criteria provided, multiple submitters, no conflicts (2 of 4 stars). 2 submissions from 2 submitters: Uncertain significance (2). Last evaluated 2022-11-10.

Conditions:
Inborn genetic diseases. Identifiers: MedGen C0950123, MeSH D030342.
Hyperphosphatasia with intellectual disability syndrome 5 (GPIBD11). Also called: GLYCOSYLPHOSPHATIDYLINOSITOL BIOSYNTHESIS DEFECT 11. Identifiers: Orphanet 247262, MedGen C4014958, MONDO:0014457, OMIM 616025.

Allele frequency attached by ClinVar (database versions not stated): gnomAD exomes 0.00001 and 0.00002; ExAC 0.00002; TOPMed 0.00002.
gnomAD v4.1: 5 of 1,614,088 alleles (0.00031%); highest among the groups gnomAD compares: Admixed American, 0.0067%; no homozygotes.

Submissions (2):

Ambry Genetics
Classification: Uncertain significance for Inborn genetic diseases. Last evaluated: 2022-11-10. Review status: criteria provided, single submitter. Criteria: Ambry Variant Classification Scheme 2023. Collection method: clinical testing. Allele origin: germline.

Labcorp Genetics (formerly Invitae), Labcorp
Classification: Uncertain significance for Hyperphosphatasia with intellectual disability syndrome 5. Last evaluated: 2022-07-19. Review status: criteria provided, single submitter. Criteria: Invitae Variant Classification Sherloc (09022015). Collection method: clinical testing. Allele origin: germline.
Comment: This sequence change replaces isoleucine, which is neutral and non-polar, with valine, which is neutral and non-polar, at codon 307 of the PIGW protein (p.Ile307Val). This variant is present in population databases (rs773988121, gnomAD 0.01%). This variant has not been reported in the literature in individuals affected with PIGW-related conditions. ClinVar contains an entry for this variant (Variation ID: 1382816). Algorithms developed to predict the effect of missense changes on protein structure and function (SIFT, PolyPhen-2, Align-GVGD) all suggest that this variant is likely to be tolerated. In summary, the available evidence is currently insufficient to determine the role of this variant in disease. Therefore, it has been classified as a Variant of Uncertain Significance.